The following is an entry in ClinVar:

NM_006260.5(DNAJC3):c.645A>G (p.Ser215=)

Gene: DNAJC3 (DnaJ heat shock protein family (Hsp40) member C3; plus strand). Cytogenetic location: 13q32.1.
Variant type: single nucleotide variant.
Coding change: c.645A>G on transcript NM_006260.5 (MANE Select); coding-DNA position 645, A replaced by G.
Protein change: p.Ser215=; no amino-acid change (serine 215 retained).
Molecular consequence: synonymous variant.
Genome position (GRCh38, 1-based): chr13:95,760,138, A>G. VCF-style: chr13-95760138-A-G. GRCh37 (hg19) VCF-style: chr13-96412392-A-G.
Other names: c.645A>G (NM_006260.4).
Identifiers: ClinVar variation 4872863 (VCV004872863.3).

ClinVar aggregate classification (germline): Likely benign. Review status: criteria provided, multiple submitters, no conflicts (2 of 4 stars). 2 submissions from 2 submitters: Likely benign (2). Last evaluated 2026-04-01.

Conditions:
DNAJC3-related disorder. Also called: DNAJC3-related condition.

gnomAD v4.1: 124 of 1,613,126 alleles (0.0077%); highest among the groups gnomAD compares: Admixed American, 0.2%; no homozygotes.

Submissions (2):

CeGaT Center for Human Genetics Tuebingen
Classification: Likely benign. Last evaluated: 2026-04-01. Review status: criteria provided, single submitter. Criteria: CeGaT Center For Human Genetics Tuebingen Variant Classification Criteria Version 2. Collection method: clinical testing. Allele origin: germline. Affected: yes. Observed: 1 variant allele.
Comment: DNAJC3: BP4, BP7

PreventionGenetics, part of Exact Sciences
Classification: Likely benign for DNAJC3-related condition. Last evaluated: 2024-11-11. Review status: criteria provided, single submitter. Criteria: ACMG Guidelines, 2015. Collection method: clinical testing. Allele origin: germline.
Comment: This variant is classified as likely benign based on ACMG/AMP sequence variant interpretation guidelines (Richards et al. 2015 PMID: 25741868, with internal and published modifications).